The following is an entry in ClinVar:

NM_001875.5(CPS1):c.3949C>T (p.Arg1317Trp)

Gene: CPS1 (carbamoyl-phosphate synthase 1; plus strand). Cytogenetic location: 2q34.
Variant type: single nucleotide variant.
Coding change: c.3949C>T on transcript NM_001875.5 (MANE Select); coding-DNA position 3949, C replaced by T.
Protein change: p.Arg1317Trp; replaces arginine 1317 with tryptophan.
Molecular consequence: missense variant. On other transcripts: non-coding transcript variant (2).
Genome position (GRCh38, 1-based): chr2:210,663,144, C>T. VCF-style: chr2-210663144-C-T. GRCh37 (hg19) VCF-style: chr2-211527868-C-T.
Other names: c.3949C>T, p.Arg1317Trp (NM_001122633.3, NM_001369257.1); c.3982C>T, p.Arg1328Trp (NM_001369256.1); short protein forms R1317W, R1328W.
Identifiers: ClinVar variation 2441763 (VCV002441763.6), dbSNP rs1458915316, ClinGen allele CA350439289.

ClinVar aggregate classification (germline): Conflicting classifications of pathogenicity. Review status: criteria provided, conflicting classifications (1 of 4 stars). 4 submissions from 4 submitters: Likely pathogenic (2); Uncertain significance (1). 1 of the submissions does not count toward it. Last evaluated 2025-04-24.

Conditions:
CPS1-related disorder. Also called: CPS1-related condition.
Congenital hyperammonemia, type I. Also called: Carbamoyl phosphate synthetase I deficiency disease; CPS I DEFICIENCY; Carbamoyl phosphate synthetase 1 deficiency; Hyperammonemia due to carbamoyl phosphate synthetase 1 deficiency; CPS 1 deficiency; Carbamyl phosphate synthetase (CPS) deficiency. Identifiers: Orphanet 147, MedGen C4082171, MONDO:0009376, OMIM 237300.

Allele frequency attached by ClinVar (database versions not stated): gnomAD exomes below 0.00001; TOPMed 0.00001.
gnomAD v4.1: 5 of 1,613,630 alleles (0.00031%); highest among the groups gnomAD compares: East Asian, 0.0022%; no homozygotes.

Submissions (4):

Natera, Inc.
Classification: Likely pathogenic for Carbamoyl-phosphate synthase I deficiency. Last evaluated: 2025-04-24. Review status: criteria provided, single submitter. Criteria: Natera Variant Classification Schema (03/2026). Collection method: clinical testing. Allele origin: germline.
Comment: The c.3949C>T variant in CPS1 is a missense variant predicted to cause substitution of arginine to tryptophan at amino acid 1317. This variant is rare in the general population with a frequency below the threshold expected for the associated phenotype(s). This variant has been observed in one or more individuals affected with the associated recessive disease, as either homozygous or compound heterozygous with a second variant (PMID: 31749211, 38394969). This variant has been identified in one or more affected individuals with a phenotype highly consistent with the associated gene (PMID: 31749211). Computational prediction algorithms indicate this variant is likely to affect gene or protein function. Given the available evidence, this variant is classified as Likely Pathogenic.

Baylor Genetics
Classification: Uncertain significance for Congenital hyperammonemia, type I. Last evaluated: 2022-09-12. Review status: criteria provided, single submitter. Criteria: ACMG Guidelines, 2015. Collection method: clinical testing. Allele origin: unknown.

Juno Genomics, Hangzhou Juno Genomics, Inc
Classification: Likely pathogenic for Congenital hyperammonemia, type I. Review status: criteria provided, single submitter. Criteria: ACMG Guidelines, 2015. Collection method: clinical testing. Allele origin: germline. Affected: yes.
Comment: Absent from controls (or at extremely low frequency if recessive) in Genome Aggregation Database, Exome Sequencing Project, 1000 Genomes Project, or Exome Aggregation Consortium.;Multiple lines of computational evidence support a deleterious effect on the gene or gene product (conservation, evolutionary, splicing impact, etc).;For recessive disorders, detected in trans with a pathogenic variant.;Patient's phenotype or family history is highly specific for a disease with a single genetic etiology.

PreventionGenetics, part of Exact Sciences
Classification: Uncertain significance for CPS1-related condition. Last evaluated: 2024-06-19. Review status: no assertion criteria provided. Collection method: clinical testing. Allele origin: germline. Not counted in ClinVar's aggregate classification.
Comment: The CPS1 c.3949C>T variant is predicted to result in the amino acid substitution p.Arg1317Trp. This variant has been reported with a second CPS1 variant in an individual with carbamoyl phosphate synthetase I deficiency (Fan et al. 2019. PubMed ID: 31749211). This variant is reported in 0.0054% of alleles in individuals of East Asian descent in gnomAD. Although we suspect that this variant may be pathogenic, at this time its clinical significance is uncertain due to the absence of conclusive functional and genetic evidence.

Literature cited by the submitters: PubMed 31749211 (cited by Natera, Inc.); PubMed 38394969 (cited by Natera, Inc.).